The following is an entry in ClinVar:

NM_000512.5(GALNS):c.1034T>C (p.Leu345Pro)

Gene: GALNS (galactosamine (N-acetyl)-6-sulfatase; minus strand). Cytogenetic location: 16q24.3.
Variant type: single nucleotide variant.
Coding change: c.1034T>C on transcript NM_000512.5 (MANE Select); coding-DNA position 1034, T replaced by C.
Protein change: p.Leu345Pro; replaces leucine 345 with proline.
Molecular consequence: missense variant.
Genome position (GRCh38, 1-based): chr16:88,826,807, A>G on the plus strand (T>C on the coding strand, the complement: GALNS is on the minus strand). VCF-style: chr16-88826807-A-G. GRCh37 (hg19) VCF-style: chr16-88893215-A-G.
Other names: c.479T>C, p.Leu160Pro (NM_001323543.2); c.1052T>C, p.Leu351Pro (NM_001323544.2); short protein forms L160P, L345P, L351P.
Identifiers: ClinVar variation 1048440 (VCV001048440.3), dbSNP rs2142995853, ClinGen allele CA397098560.

ClinVar aggregate classification (germline): Uncertain significance (1 of 4 stars; one submission).

Conditions:
Mucopolysaccharidosis, MPS-IV-A (MPS4A). Also called: Mucopolysaccharidosis type IV A; Mucopolysaccharidosis Type IVA; Morquio syndrome A, mild; MORQUIO SYNDROME A; MPS IVA; mucopolysaccharidosis type 4A. Identifiers: Orphanet 309297, Orphanet 582, MedGen C0086651, MONDO:0009659, OMIM 253000.

Submission:

Laboratory of Diagnosis and Therapy of Lysosomal Disorders, University of Padova
Classification: Uncertain significance for Mucopolysaccharidosis, MPS-IV-A. Last evaluated: 2021-02-01. Review status: criteria provided, single submitter. Criteria: ACMG Guidelines, 2015. Collection method: curation. Allele origin: germline. Affected: yes.
Comment: Absent from gnomAD v2.1.1 (PM2_moderate); multiple lines of computational evidence support a deleterious effect on the gene (PP3_supporting)

Literature cited by the submitters: PubMed 15235041; PubMed 34387910.